The following is an entry in ClinVar:

NM_025103.4(IFT74):c.820G>A (p.Ala274Thr)

Gene: IFT74 (intraflagellar transport 74; plus strand). Cytogenetic location: 9p21.2.
Variant type: single nucleotide variant.
Coding change: c.820G>A on transcript NM_025103.4 (MANE Select); coding-DNA position 820, G replaced by A.
Protein change: p.Ala274Thr; replaces alanine 274 with threonine.
Molecular consequence: missense variant.
Genome position (GRCh38, 1-based): chr9:27,016,937, G>A. VCF-style: chr9-27016937-G-A. GRCh37 (hg19) VCF-style: chr9-27016935-G-A.
Other names: c.820G>A, p.Ala274Thr (NM_001099222.3, NM_001099223.3, NM_001099224.3 and 1 more transcripts); short protein forms A274T.
Identifiers: ClinVar variation 1494448 (VCV001494448.6), dbSNP rs1264631833, ClinGen allele CA373119386.

ClinVar aggregate classification (germline): Uncertain significance (1 of 4 stars; one submission).

Allele frequency attached by ClinVar (database versions not stated): gnomAD exomes below 0.00001; TOPMed below 0.00001.
gnomAD v4.1: 5 of 1,607,250 alleles (0.00031%); highest among the groups gnomAD compares: Non-Finnish European, 0.00042%; no homozygotes.

Submission:

Labcorp Genetics (formerly Invitae), Labcorp
Classification: Uncertain significance. Last evaluated: 2026-01-19. Review status: criteria provided, single submitter. Criteria: Invitae Variant Classification Sherloc (09022015). Collection method: clinical testing. Allele origin: germline.
Comment: This sequence change replaces alanine, which is neutral and non-polar, with threonine, which is neutral and polar, at codon 274 of the IFT74 protein (p.Ala274Thr). This variant is present in population databases (no rsID available, gnomAD 0.0009%). This variant has not been reported in the literature in individuals affected with IFT74-related conditions. ClinVar contains an entry for this variant (Variation ID: 1494448). An algorithm developed to predict the effect of missense changes on protein structure and function (PolyPhen-2) suggests that this variant is likely to be disruptive. In summary, the available evidence is currently insufficient to determine the role of this variant in disease. Therefore, it has been classified as a Variant of Uncertain Significance.